The following is an entry in ClinVar:

NC_000002.11:g.(152548877_152550836)_(152554163_152563394)del

Gene: NEB (nebulin; minus strand). Cytogenetic location: 2q23.3.
Variant type: Deletion.
Identifiers: ClinVar variation 4848079 (VCV004848079.1).

ClinVar aggregate classification (germline): Pathogenic (1 of 4 stars; one submission).

Conditions:
Nemaline myopathy. Also called: Myopathies, Nemaline. Identifiers: Orphanet 607, MedGen C0206157, MONDO:0018958.

Submission:

Women's Health and Genetics/Laboratory Corporation of America, LabCorp
Classification: Pathogenic for Nemaline myopathy. Last evaluated: 2026-02-03. Review status: criteria provided, single submitter. Criteria: LabCorp Variant Classification Summary - May 2015. Collection method: clinical testing. Allele origin: germline.
Comment: Variant summary: The variant involves the deletion of exons 14-20 in the NEB gene. A presumed nomenclature of c.(1152+1_1153-1)_(1896+1_1897-1)del has been designated for the purposes of this classification. This Copy Number Variant (CNV) is predicted to result in an in-frame deletion within this gene. Loss-of-function variants in this gene are known to be pathogenic. The variant was absent in 21520 control chromosomes. To our knowledge, no occurrence of c.(1152+1_1153-1)_(1896+1_1897-1)del in individuals affected with NEB-related conditions and no experimental evidence demonstrating its impact on protein function have been reported. However, at least one missense variant, c.1493A>G; p.Asp498Gly has been reported in indivuduals with NEB-related myopathy that has been classified as likely pathogenic or pathogenic by ClinGen Congenital Myopathies Variant Curation Expert Panel and by our own lab, strongly suggesting a clinical significance of this region on protein function. ClinVar contains an entry for this variant (Variation ID: 3247252). Based on the evidence outlined above, the variant was classified as pathogenic.